The following is an entry in ClinVar:

NM_194277.3(FRMD7):c.685C>T (p.Arg229Cys)

Gene: FRMD7 (FERM domain containing 7; minus strand). Cytogenetic location: Xq26.2.
Variant type: single nucleotide variant.
Coding change: c.685C>T on transcript NM_194277.3 (MANE Select); coding-DNA position 685, C replaced by T.
Protein change: p.Arg229Cys; replaces arginine 229 with cysteine.
Molecular consequence: missense variant.
Genome position (GRCh38, 1-based): chrX:132,084,546, G>A on the plus strand (C>T on the coding strand, the complement: FRMD7 is on the minus strand). VCF-style: chrX-132084546-G-A. GRCh37 (hg19) VCF-style: chrX-131218574-G-A.
Other names: c.640C>T, p.Arg214Cys (NM_001306193.2); short protein forms R229C, R214C.
Identifiers: ClinVar variation 449483 (VCV000449483.11), dbSNP rs137852212, ClinGen allele CA335857921.
Genomic context (GRCh38, chrX:132,084,546, plus strand): 5'-TTACCAAGATATTGGCATGAAGTTTGATGAGAAAATGCTTTCTCTTAAAACTCAACTTGC[G>A]GATTTTAGCCCAGTTAAAAGTATTGATCTTTGTATTTCCCTACAATGAAAAATGTGGCAG-3'
Protein context (NP_919253.1, residues 219-239): KINTFNWAKI[Arg229Cys]KLSFKRKHFL

ClinVar aggregate classification (germline): Conflicting classifications of pathogenicity. Review status: criteria provided, conflicting classifications (1 of 4 stars). 2 submissions from 2 submitters: Pathogenic (1); Uncertain significance (1). Last evaluated 2022-03-01.

Allele frequency attached by ClinVar (database versions not stated): gnomAD exomes below 0.00001.
gnomAD v4.1: 1 of 1,183,301 alleles (0.000085%); highest among the groups gnomAD compares: Non-Finnish European, 0.00012%; no homozygotes.

Submissions (2):

Labcorp Genetics (formerly Invitae), Labcorp
Classification: Uncertain significance. Last evaluated: 2022-03-01. Review status: criteria provided, single submitter. Criteria: Invitae Variant Classification Sherloc (09022015). Collection method: clinical testing. Allele origin: germline.
Comment: This sequence change replaces arginine, which is basic and polar, with cysteine, which is neutral and slightly polar, at codon 229 of the FRMD7 protein (p.Arg229Cys). This variant is not present in population databases (gnomAD no frequency). In summary, the available evidence is currently insufficient to determine the role of this variant in disease. Therefore, it has been classified as a Variant of Uncertain Significance. This variant disrupts the p.Arg229 amino acid residue in FRMD7. Other variant(s) that disrupt this residue have been determined to be pathogenic (PMID: 17962394). This suggests that this residue is clinically significant, and that variants that disrupt this residue are likely to be disease-causing. Experimental studies have shown that this missense change affects FRMD7 function (PMID: 23406872). Algorithms developed to predict the effect of missense changes on protein structure and function (SIFT, PolyPhen-2, Align-GVGD) all suggest that this variant is likely to be disruptive. ClinVar contains an entry for this variant (Variation ID: 449483). This missense change has been observed in individual(s) with congenital motor nystagmus (PMID: 17768376, 28623544).

GeneDx
Classification: Pathogenic. Last evaluated: 2021-07-10. Review status: criteria provided, single submitter. Criteria: GeneDx Variant Classification Process June 2021. Collection method: clinical testing. Allele origin: germline. Affected: yes.
Comment: Published functional studies demonstrate a damaging effect with reduced R229C mutant protein expression, as compared to wild-type, and dominant-negative inhibition of neurite outgrowth (Watkins et al., 2013); Not observed at significant frequency in large population cohorts (Lek et al., 2016); In silico analysis supports that this missense variant has a deleterious effect on protein structure/function; This variant is associated with the following publications: (PMID: 17768376, 23406872, 28623544, 19072571, 27535533, 21904664)

Literature cited by the submitters: PubMed 17962394 (cited by Labcorp Genetics (formerly Invitae), Labcorp); PubMed 23406872 (cited by Labcorp Genetics (formerly Invitae), Labcorp); PubMed 17768376 (cited by Labcorp Genetics (formerly Invitae), Labcorp); PubMed 28623544 (cited by Labcorp Genetics (formerly Invitae), Labcorp).